The following is an entry in ClinVar:

NC_000016.9:g.(180591_188148)_(188673_?)del

Gene: NPRL3 (NPR3 like, GATOR1 complex subunit; minus strand). Cytogenetic location: 16p13.3.
Variant type: Deletion.
Identifiers: ClinVar variation 4688634 (VCV004688634.1).

ClinVar aggregate classification (germline): Pathogenic (1 of 4 stars; one submission).

Conditions:
Epilepsy, familial focal, with variable foci 1 (FFEVF1). Also called: DEPDC5-Related Epilepsy. Identifiers: MedGen C4551983, MONDO:0024556, OMIM 604364.

Submission:

Women's Health and Genetics/Laboratory Corporation of America, LabCorp
Classification: Pathogenic for Epilepsy, familial focal, with variable foci 1. Last evaluated: 2025-12-02. Review status: criteria provided, single submitter. Criteria: LabCorp Variant Classification Summary - May 2015. Collection method: clinical testing. Allele origin: germline.
Comment: Variant summary: The variant involves the deletion of exons 1-2 in the NPRL3 gene. A presumed nomenclature of c.(?_-100)_(118+1_119-1)del has been designated for the purposes of this classification. The exact breakpoint at the 5' end of this variant is unknown, therefore this deletion may extend upstream of the annotated region of this gene. Although the exact breakpoints of this deletion are not known, it is predicted to remove the initiation codon and result in an absence of protein or a truncation of the encoded protein due to translation initiation at a downstream site. Loss-of-function variants in this gene are known to be pathogenic. A deletion that includes exons 1-2 of the NPRL3 gene was found at a frequency of 1.7e-05 in 116948 control chromosomes in the gnomAD database (Structural Variants v4.1 dataset). A similar copy number variant, described as deletion of exon 2 (i.e. the first coding exon), was reported in a heterozygous patient affected with epilepsy (e.g. Truty_2019). To our knowledge, no experimental evidence demonstrating an impact on protein function has been reported. The following publication has been ascertained in the context of this evaluation (PMID: 31440721). ClinVar contains entries for matching variants (Variation ID: 2501100; 2423599). Based on the evidence outlined above, the variant was classified as pathogenic.

Literature cited by the submitters: PubMed 31440721.